The following is an entry in ClinVar:

ClinVar aggregate classification (germline): Likely benign (0 of 4 stars; one submission).

Conditions:
ARHGAP26-related disorder. Also called: ARHGAP26-related condition.

gnomAD v4.1: 54 of 1,605,676 alleles (0.0034%); highest among the groups gnomAD compares: South Asian, 0.056%; no homozygotes.

Submission:

PreventionGenetics, part of Exact Sciences
Classification: Likely benign for ARHGAP26-related condition. Last evaluated: 2019-09-18. Review status: no assertion criteria provided. Collection method: clinical testing. Allele origin: germline.
Comment: This variant is classified as likely benign based on ACMG/AMP sequence variant interpretation guidelines (Richards et al. 2015 PMID: 25741868, with internal and published modifications).

NM_001135608.3(ARHGAP26):c.486+7G>A

Gene: ARHGAP26 (Rho GTPase activating protein 26; plus strand). Cytogenetic location: 5q31.3.
Variant type: single nucleotide variant.
Coding change: c.486+7G>A on transcript NM_001135608.3 (MANE Select); 7 bases into the intron after coding-DNA position 486, G replaced by A.
Molecular consequence: intron variant.
Genome position (GRCh38, 1-based): chr5:142,885,406, G>A. VCF-style: chr5-142885406-G-A. GRCh37 (hg19) VCF-style: chr5-142264971-G-A.
Other names: c.486+7G>A (NM_015071.6); c.378+7G>A (NM_001349547.2).
Identifiers: ClinVar variation 3355006 (VCV003355006.1).
Genomic context (GRCh38, chr5:142,885,406, plus strand): 5'-TTAGAAAAACACTTGAATTTGTCTTCCAAAAAGAAAGAATCTCAGCTTCAGGAGGTAAGA[G>A]ACTTTATTAGTATCCTGAATAAAGTGTTCAATTTGTACATGATGCTGTGGATATGTGCTG-3'